The following is an entry in ClinVar:

NM_181552.4(CUX1):c.960G>A (p.Ser320=)

Gene: CUX1 (cut like homeobox 1; plus strand). Cytogenetic location: 7q22.1.
Variant type: single nucleotide variant.
Coding change: c.960G>A on transcript NM_181552.4 (MANE Select); coding-DNA position 960, G replaced by A.
Protein change: p.Ser320=; no amino-acid change (serine 320 retained).
Molecular consequence: synonymous variant.
Genome position (GRCh38, 1-based): chr7:102,178,600, G>A. VCF-style: chr7-102178600-G-A. GRCh37 (hg19) VCF-style: chr7-101821880-G-A.
Other names: c.993G>A, p.Ser331= (NM_001202543.2, NM_001913.5); c.945G>A, p.Ser315= (NM_001202544.3); c.855G>A, p.Ser285= (NM_001202545.3); c.876G>A, p.Ser292= (NM_001202546.3); c.987G>A, p.Ser329= (NM_181500.4).
Identifiers: ClinVar variation 727835 (VCV000727835.5), dbSNP rs151118398, ClinGen allele CA4410676.

ClinVar aggregate classification (germline): Likely benign. Review status: criteria provided, single submitter (1 of 4 stars). 2 submissions from 2 submitters: Likely benign (1). 1 of the submissions does not count toward it. Last evaluated 2018-11-26.

Conditions:
CUX1-related disorder. Also called: CUX1-related condition.

Allele frequency attached by ClinVar (database versions not stated): gnomAD exomes 0.00003; ExAC 0.00006; gnomAD 0.00012 and 0.00014; ESP Exome Variant Server 0.00015; TOPMed 0.00016.
gnomAD v4.1: 38 of 1,611,534 alleles (0.0024%); highest among the groups gnomAD compares: African/African-American, 0.04%; no homozygotes.

Submissions (2):

Labcorp Genetics (formerly Invitae), Labcorp
Classification: Likely benign. Last evaluated: 2018-11-26. Review status: criteria provided, single submitter. Criteria: Invitae Variant Classification Sherloc (09022015). Collection method: clinical testing. Allele origin: germline.

PreventionGenetics, part of Exact Sciences
Classification: Likely benign for CUX1-related condition. Last evaluated: 2019-07-31. Review status: no assertion criteria provided. Collection method: clinical testing. Allele origin: germline. Not counted in ClinVar's aggregate classification.
Comment: This variant is classified as likely benign based on ACMG/AMP sequence variant interpretation guidelines (Richards et al. 2015 PMID: 25741868, with internal and published modifications).